The following is an entry in ClinVar:

NM_198253.3(TERT):c.3292A>C (p.Thr1098Pro)

Gene: TERT (telomerase reverse transcriptase; minus strand). Cytogenetic location: 5p15.33.
Variant type: single nucleotide variant.
Coding change: c.3292A>C on transcript NM_198253.3 (MANE Select); coding-DNA position 3292, A replaced by C.
Protein change: p.Thr1098Pro; replaces threonine 1098 with proline.
Molecular consequence: missense variant. On other transcripts: non-coding transcript variant (2).
Genome position (GRCh38, 1-based): chr5:1,254,371, T>G on the plus strand (A>C on the coding strand, the complement: TERT is on the minus strand). VCF-style: chr5-1254371-T-G. GRCh37 (hg19) VCF-style: chr5-1254486-T-G.
Other names: c.3103A>C, p.Thr1035Pro (NM_001193376.3); c.3292A>C, p.Thr1098Pro (NM_003219.1); short protein forms T1035P, T1098P.
Identifiers: ClinVar variation 2944540 (VCV002944540.3), dbSNP rs1345598002, ClinGen allele CA359067047.
Genomic context (GRCh38, chr5:1,254,371, plus strand): 5'-CGTTCAAGGATGACCCCTGGGCAGGTGGGGCCCGCACTGGCCTCCACCCACACTTGCCTG[T>G]CCTGAGTGACCCCAGGAGTGGCACGTAGGTGACACGGTGTCGAGTCAGCTTGAGCAGGAA-3'
Protein context (NP_937983.2, residues 1088-1108): TYVPLLGSLR[Thr1098Pro]AQTQLSRKLP

ClinVar aggregate classification (germline): Uncertain significance (1 of 4 stars; one submission).

Conditions:
Dyskeratosis congenita, autosomal dominant 2. Identifiers: MedGen C3151443, MONDO:0013521, OMIM 613989.
Idiopathic Pulmonary Fibrosis. Also called: Idiopathic fibrosing alveolitis, chronic form; idiopathic fibrosing alveolitis. Identifiers: Orphanet 2032, MedGen C1800706, MeSH D054990, MONDO:0800504.

Submission:

Labcorp Genetics (formerly Invitae), Labcorp
Classification: Uncertain significance for Dyskeratosis congenita, autosomal dominant 2; Idiopathic Pulmonary Fibrosis. Last evaluated: 2023-02-20. Review status: criteria provided, single submitter. Criteria: Invitae Variant Classification Sherloc (09022015). Collection method: clinical testing. Allele origin: germline.
Comment: This sequence change replaces threonine, which is neutral and polar, with proline, which is neutral and non-polar, at codon 1098 of the TERT protein (p.Thr1098Pro). This variant is not present in population databases (gnomAD no frequency). This variant has not been reported in the literature in individuals affected with TERT-related conditions. Advanced modeling of protein sequence and biophysical properties (such as structural, functional, and spatial information, amino acid conservation, physicochemical variation, residue mobility, and thermodynamic stability) has been performed at Invitae for this missense variant, however the output from this modeling did not meet the statistical confidence thresholds required to predict the impact of this variant on TERT protein function. In summary, the available evidence is currently insufficient to determine the role of this variant in disease. Therefore, it has been classified as a Variant of Uncertain Significance.